The following is an entry in ClinVar:

ClinVar aggregate classification (germline): Likely benign. Review status: criteria provided, single submitter (1 of 4 stars). 2 submissions from 2 submitters: Likely benign (1). 1 of the submissions does not count toward it. Last evaluated 2018-12-17.

Conditions:
CABP2-related disorder. Also called: CABP2-related condition.

Allele frequency attached by ClinVar (database versions not stated): gnomAD exomes 0.00004 and 0.00010; ExAC 0.00005; ESP Exome Variant Server 0.00016; gnomAD 0.00062 and 0.00069; TOPMed 0.00071.

Submissions (2):

GeneDx
Classification: Likely benign. Last evaluated: 2018-12-17. Review status: criteria provided, single submitter. Criteria: GeneDx Variant Classification Process June 2021. Collection method: clinical testing. Allele origin: germline. Affected: yes.

PreventionGenetics, part of Exact Sciences
Classification: Likely benign for CABP2-related condition. Last evaluated: 2020-07-06. Review status: no assertion criteria provided. Collection method: clinical testing. Allele origin: germline. Not counted in ClinVar's aggregate classification.
Comment: This variant is classified as likely benign based on ACMG/AMP sequence variant interpretation guidelines (Richards et al. 2015 PMID: 25741868, with internal and published modifications).

NM_016366.3(CABP2):c.-16G>T

Gene: CABP2 (calcium binding protein 2; minus strand). Cytogenetic location: 11q13.2.
Variant type: single nucleotide variant.
Coding change: c.-16G>T on transcript NM_016366.3 (MANE Select); 16 bases upstream of the start codon, G replaced by T.
Molecular consequence: 5 prime UTR variant.
Genome position (GRCh38, 1-based): chr11:67,523,342, C>A on the plus strand (G>T on the coding strand, the complement: CABP2 is on the minus strand). VCF-style: chr11-67523342-C-A. GRCh37 (hg19) VCF-style: chr11-67290813-C-A.
Other names: c.-2G>T (NM_001318496.2, NM_001318496.1).
Identifiers: ClinVar variation 1203861 (VCV001203861.5), dbSNP rs373465125, ClinGen allele CA6142608.